The following is an entry in ClinVar:

NM_014915.3(ANKRD26):c.3005T>C (p.Leu1002Pro)

Gene: ANKRD26 (ankyrin repeat domain containing 26; minus strand). Cytogenetic location: 10p12.1.
Variant type: single nucleotide variant.
Coding change: c.3005T>C on transcript NM_014915.3 (MANE Select); coding-DNA position 3005, T replaced by C.
Protein change: p.Leu1002Pro; replaces leucine 1002 with proline.
Molecular consequence: missense variant.
Genome position (GRCh38, 1-based): chr10:27,035,445, A>G on the plus strand (T>C on the coding strand, the complement: ANKRD26 is on the minus strand). VCF-style: chr10-27035445-A-G. GRCh37 (hg19) VCF-style: chr10-27324374-A-G.
Other names: c.3002T>C, p.Leu1001Pro (NM_001256053.2); short protein forms L1002P, L1001P.
Identifiers: ClinVar variation 3869999 (VCV003869999.1).
Genomic context (GRCh38, chr10:27,035,445, plus strand): 5'-TGATCACGATCATGTATAGCAGCAGCCAATCTAGAATGGTATGATTCAACTTCTGCTTCC[A>G]GTCTTTCCTTGCTTTGCTTTTCATTCTCCAGTTTAGAATTTAGCATTGCATTCTCAGCTG-3'
Protein context (NP_055730.2, residues 992-1012): LENEKQSKER[Leu1002Pro]EAEVESYHSR

ClinVar aggregate classification (germline): Uncertain significance (1 of 4 stars; one submission).

Conditions:
Inborn genetic diseases. Identifiers: MedGen C0950123, MeSH D030342.

gnomAD v4.1: 1 of 1,614,022 alleles (0.000062%); highest among the groups gnomAD compares: Admixed American, 0.0017%; no homozygotes.

Submission:

Ambry Genetics
Classification: Uncertain significance for Inborn genetic diseases. Last evaluated: 2025-01-05. Review status: criteria provided, single submitter. Criteria: Ambry Variant Classification Scheme 2023. Collection method: clinical testing. Allele origin: germline.
Comment: The p.L1002P variant (also known as c.3005T>C), located in coding exon 24 of the ANKRD26 gene, results from a T to C substitution at nucleotide position 3005. The leucine at codon 1002 is replaced by proline, an amino acid with similar properties. This amino acid position is conserved. In addition, this alteration is predicted to be tolerated by in silico analysis. Based on the available evidence, the clinical significance of this variant remains unclear.